The following is an entry in ClinVar:

ClinVar aggregate classification (germline): Uncertain significance (1 of 4 stars; one submission).

Submission:

Labcorp Genetics (formerly Invitae), Labcorp
Classification: Uncertain significance. Last evaluated: 2021-10-03. Review status: criteria provided, single submitter. Criteria: Invitae Variant Classification Sherloc (09022015). Collection method: clinical testing. Allele origin: germline.
Comment: In summary, the available evidence is currently insufficient to determine the role of this variant in disease. Therefore, it has been classified as a Variant of Uncertain Significance. Algorithms developed to predict the effect of missense changes on protein structure and function are either unavailable or do not agree on the potential impact of this missense change (SIFT: "Deleterious"; PolyPhen-2: "Benign"; Align-GVGD: "Class C0"). This variant has not been reported in the literature in individuals affected with TTC37-related conditions. This variant is not present in population databases (ExAC no frequency). This sequence change replaces isoleucine with arginine at codon 230 of the TTC37 protein (p.Ile230Arg). The isoleucine residue is weakly conserved and there is a moderate physicochemical difference between isoleucine and arginine.

NM_014639.4(SKIC3):c.689T>G (p.Ile230Arg)

Gene: SKIC3 (SKI3 subunit of superkiller complex; minus strand). Cytogenetic location: 5q15.
Variant type: single nucleotide variant.
Coding change: c.689T>G on transcript NM_014639.4 (MANE Select); coding-DNA position 689, T replaced by G.
Protein change: p.Ile230Arg; replaces isoleucine 230 with arginine.
Molecular consequence: missense variant.
Genome position (GRCh38, 1-based): chr5:95,536,879, A>C on the plus strand (T>G on the coding strand, the complement: SKIC3 is on the minus strand). VCF-style: chr5-95536879-A-C. GRCh37 (hg19) VCF-style: chr5-94872583-A-C.
Other names: short protein forms I230R.
Identifiers: ClinVar variation 1483930 (VCV001483930.6), dbSNP rs2112362779, ClinGen allele CA360440554.